The following is an entry in ClinVar:

ClinVar aggregate classification (germline): Uncertain significance (1 of 4 stars; one submission).

Allele frequency attached by ClinVar (database versions not stated): gnomAD 0.00001.
gnomAD v4.1: 1 of 1,613,968 alleles (0.000062%); highest among the groups gnomAD compares: African/African-American, 0.0013%; no homozygotes.

Submission:

ARUP Laboratories, Molecular Genetics and Genomics, ARUP Laboratories
Classification: Uncertain significance. Last evaluated: 2022-02-03. Review status: criteria provided, single submitter. Criteria: ARUP Molecular Germline Variant Investigation Process 2021. Collection method: clinical testing. Allele origin: germline.
Comment: The HBG2 c.398A>C; p.Lys133Thr variant (rs1361182977), to our knowledge, is not reported in the medical literature or gene specific databases. This variant is only observed on one allele in the Genome Aggregation Database, indicating it is not a common polymorphism. The lysine at codon 133 is highly conserved, and computational analyses predict that this variant is deleterious (REVEL: 0.814). However, given the lack of clinical and functional data, the significance of the p.Lys133Thr variant is uncertain at this time.

NM_000184.3(HBG2):c.398A>C (p.Lys133Thr)

Gene: HBG2 (hemoglobin subunit gamma 2; minus strand). Cytogenetic location: 11p15.4.
Variant type: single nucleotide variant.
Coding change: c.398A>C on transcript NM_000184.3 (MANE Select); coding-DNA position 398, A replaced by C.
Protein change: p.Lys133Thr; replaces lysine 133 with threonine.
Molecular consequence: missense variant.
Genome position (GRCh38, 1-based): chr11:5,253,323, T>G on the plus strand (A>C on the coding strand, the complement: HBG2 is on the minus strand). VCF-style: chr11-5253323-T-G. GRCh37 (hg19) VCF-style: chr11-5274553-T-G.
Other names: short protein forms K133T.
Identifiers: ClinVar variation 1679500 (VCV001679500.7), dbSNP rs1361182977, ClinGen allele CA379263547.